The following is an entry in ClinVar:

ClinVar aggregate classification (germline): Uncertain significance (1 of 4 stars; one submission).

Conditions:
Hereditary cancer-predisposing syndrome. Also called: Hereditary neoplastic syndrome; Neoplastic Syndromes, Hereditary; Tumor predisposition; Hereditary Cancer Syndrome. Identifiers: Orphanet 140162, MedGen C0027672, MeSH D009386, MONDO:0015356.

gnomAD v4.1: 1 of 1,606,718 alleles (0.000062%); highest among the groups gnomAD compares: South Asian, 0.0011%; no homozygotes.

Submission:

Ambry Genetics
Classification: Uncertain significance for Hereditary cancer-predisposing syndrome. Last evaluated: 2024-12-20. Review status: criteria provided, single submitter. Criteria: Ambry Variant Classification Scheme 2023. Collection method: clinical testing. Allele origin: germline.
Comment: The p.P2334H variant (also known as c.7001C>A), located in coding exon 12 of the BRCA2 gene, results from a C to A substitution at nucleotide position 7001. The proline at codon 2334 is replaced by histidine, an amino acid with similar properties. This amino acid position is highly conserved in available vertebrate species. In addition, the in silico prediction for this alteration is inconclusive. Based on the available evidence, the clinical significance of this variant remains unclear.

NM_000059.4(BRCA2):c.7001C>A (p.Pro2334His)

Gene: BRCA2 (BRCA2 DNA repair associated; plus strand). Cytogenetic location: 13q13.1.
Variant type: single nucleotide variant.
Coding change: c.7001C>A on transcript NM_000059.4 (MANE Select); coding-DNA position 7001, C replaced by A.
Protein change: p.Pro2334His; replaces proline 2334 with histidine.
Molecular consequence: missense variant. On other transcripts: non-coding transcript variant (1).
Genome position (GRCh38, 1-based): chr13:32,346,890, C>A. VCF-style: chr13-32346890-C-A. GRCh37 (hg19) VCF-style: chr13-32921027-C-A.
Other names: c.6905C>A, p.Pro2302His (NM_001406719.1); c.7001C>A, p.Pro2334His (NM_001406720.1, NM_001432077.1); c.2069C>A, p.Pro690His (NM_001406721.1); c.584C>A, p.Pro195His (NM_001406722.1); short protein forms P195H, P2302H, P2334H, P690H.
Identifiers: ClinVar variation 3825346 (VCV003825346.1).